The following is an entry in ClinVar:

NM_007294.4(BRCA1):c.4907A>T (p.Lys1636Met)

Gene: BRCA1 (BRCA1 DNA repair associated; minus strand). Cytogenetic location: 17q21.31.
Variant type: single nucleotide variant.
Coding change: c.4907A>T on transcript NM_007294.4 (MANE Select); coding-DNA position 4907, A replaced by T.
Protein change: p.Lys1636Met; replaces lysine 1636 with methionine.
Molecular consequence: missense variant. On other transcripts: non-coding transcript variant (1).
Genome position (GRCh38, 1-based): chr17:43,071,007, T>A on the plus strand (A>T on the coding strand, the complement: BRCA1 is on the minus strand). VCF-style: chr17-43071007-T-A. GRCh37 (hg19) VCF-style: chr17-41223024-T-A.
Other names: c.4694A>T, p.Lys1565Met (NM_001407571.1, NM_001407894.1, NM_001407895.1 and 12 more transcripts); c.4973A>T, p.Lys1658Met (NM_001407581.1, NM_001407582.1); c.4970A>T, p.Lys1657Met (NM_001407583.1, NM_001407585.1, NM_001407587.1 and 1 more transcripts); c.4967A>T, p.Lys1656Met (NM_001407590.1, NM_001407591.1); c.4907A>T, p.Lys1636Met (NM_001407593.1, NM_001407594.1, NM_001407596.1 and 8 more transcripts); c.4904A>T, p.Lys1635Met (NM_001407610.1, NM_001407621.1, NM_001407622.1 and 17 more transcripts); c.4901A>T, p.Lys1634Met (NM_001407627.1, NM_001407628.1, NM_001407629.1 and 14 more transcripts); c.4898A>T, p.Lys1633Met (NM_001407644.1, NM_001407645.1); and 70 more; short protein forms K1657M, K532M, K1589M, K1636M, K1508M, K1547M, K1565M, K1569M.
Identifiers: ClinVar variation 865407 (VCV000865407.3), dbSNP rs2052382212, ClinGen allele CA10591708.

Conditions:
Breast-ovarian cancer, familial, susceptibility to, 1 (BROVCA1). Also called: BRCA1 Hereditary Breast and Ovarian Cancer; OVARIAN CANCER, SUSCEPTIBILITY TO. Identifiers: Orphanet 145, MedGen C2676676, MONDO:0011450, OMIM 604370. Disease mechanism: loss of function.

Submission:

Brotman Baty Institute, University of Washington
No classification provided (evidence only). Condition: Breast-ovarian cancer, familial 1. Review status: no classification provided. Collection method: in vitro. Allele origin: not applicable. Functional consequence: functionally_normal.
ClinVar note: "not provided" was previously submitted as the classification for the variant. However, the classification appeared to be based only on an observation of functional data so it was converted to no classification on 2025-07-30.